The following is an entry in ClinVar:

NM_001360.3(DHCR7):c.956C>A (p.Thr319Lys)

Gene: DHCR7 (7-dehydrocholesterol reductase; minus strand). Cytogenetic location: 11q13.4.
Variant type: single nucleotide variant.
Coding change: c.956C>A on transcript NM_001360.3 (MANE Select); coding-DNA position 956, C replaced by A.
Protein change: p.Thr319Lys; replaces threonine 319 with lysine.
Molecular consequence: missense variant.
Genome position (GRCh38, 1-based): chr11:71,437,819, G>T on the plus strand (C>A on the coding strand, the complement: DHCR7 is on the minus strand). VCF-style: chr11-71437819-G-T. GRCh37 (hg19) VCF-style: chr11-71148865-G-T.
Other names: c.956C>A, p.Thr319Lys (NM_001163817.2); short protein forms T319K.
Identifiers: ClinVar variation 3335953 (VCV003335953.1).

ClinVar aggregate classification (germline): Uncertain significance (1 of 4 stars; one submission).

Submission:

Women's Health and Genetics/Laboratory Corporation of America, LabCorp
Classification: Uncertain significance. Last evaluated: 2024-05-14. Review status: criteria provided, single submitter. Criteria: LabCorp Variant Classification Summary - May 2015. Collection method: clinical testing. Allele origin: germline.
Comment: Variant summary: DHCR7 c.956C>A (p.Thr319Lys) results in a non-conservative amino acid change in the encoded protein sequence. Five of five in-silico tools predict a damaging effect of the variant on protein function. The variant allele was found at a frequency of 4e-06 in 251102 control chromosomes. The available data on variant occurrences in the general population are insufficient to allow any conclusion about variant significance. To our knowledge, no occurrence of c.956C>A in individuals affected with Smith-Lemli-Opitz Syndrome and no experimental evidence demonstrating its impact on protein function have been reported. No submitters have cited clinical-significance assessments for this variant to ClinVar. Based on the evidence outlined above, the variant was classified as uncertain significance.